The following is an entry in ClinVar:

NM_021008.4(DEAF1):c.1415C>T (p.Thr472Met)

Genes: DEAF1 (DEAF1 transcription factor; minus strand), LOC126861109 (BRD4-independent group 4 enhancer GRCh37_chr11:673917-675116; plus strand). Cytogenetic location: 11p15.5.
Variant type: single nucleotide variant.
Coding change: c.1415C>T on transcript NM_021008.4 (MANE Select); coding-DNA position 1415, C replaced by T.
Protein change: p.Thr472Met; replaces threonine 472 with methionine.
Molecular consequence: missense variant.
Genome position (GRCh38, 1-based): chr11:674,624, G>A on the plus strand (C>T on the coding strand, the complement: DEAF1 is on the minus strand). VCF-style: chr11-674624-G-A. GRCh37 (hg19) VCF-style: chr11-674624-G-A.
Other names: c.1148C>T, p.Thr383Met (NM_001293634.2); c.689C>T, p.Thr230Met (NM_001367390.1); c.1415C>T (NM_021008.2); short protein forms T383M, T230M, T472M.
Identifiers: ClinVar variation 1413315 (VCV001413315.7), dbSNP rs371112625, ClinGen allele CA5786219.

ClinVar aggregate classification (germline): Uncertain significance. Review status: criteria provided, multiple submitters, no conflicts (2 of 4 stars). 2 submissions from 2 submitters: Uncertain significance (2). Last evaluated 2025-08-22.

Conditions:
Inborn genetic diseases. Identifiers: MedGen C0950123, MeSH D030342.

Allele frequency attached by ClinVar (database versions not stated): gnomAD 0.00001; gnomAD exomes 0.00002 and 0.00004; ExAC 0.00002; ESP Exome Variant Server 0.00015.
gnomAD v4.1: 56 of 1,614,030 alleles (0.0035%); highest among the groups gnomAD compares: East Asian, 0.016%; no homozygotes.

Submissions (2):

Ambry Genetics
Classification: Uncertain significance for Inborn genetic diseases. Last evaluated: 2025-08-22. Review status: criteria provided, single submitter. Criteria: Ambry Variant Classification Scheme 2023. Collection method: clinical testing. Allele origin: germline.

Labcorp Genetics (formerly Invitae), Labcorp
Classification: Uncertain significance. Last evaluated: 2025-03-19. Review status: criteria provided, single submitter. Criteria: Invitae Variant Classification Sherloc (09022015). Collection method: clinical testing. Allele origin: germline.
Comment: This sequence change replaces threonine, which is neutral and polar, with methionine, which is neutral and non-polar, at codon 472 of the DEAF1 protein (p.Thr472Met). This variant is present in population databases (rs371112625, gnomAD 0.01%). This variant has not been reported in the literature in individuals affected with DEAF1-related conditions. ClinVar contains an entry for this variant (Variation ID: 1413315). Invitae Evidence Modeling of protein sequence and biophysical properties (such as structural, functional, and spatial information, amino acid conservation, physicochemical variation, residue mobility, and thermodynamic stability) indicates that this missense variant is not expected to disrupt DEAF1 protein function with a negative predictive value of 80%. In summary, the available evidence is currently insufficient to determine the role of this variant in disease. Therefore, it has been classified as a Variant of Uncertain Significance.